The following is an entry in ClinVar:

ClinVar aggregate classification (germline): Uncertain significance (1 of 4 stars; one submission).

gnomAD v4.1: 7 of 1,144,751 alleles (0.00061%); highest among the groups gnomAD compares: African/African-American, 0.011%; no homozygotes.

Submission:

Ambry Genetics
Classification: Uncertain significance. Last evaluated: 2025-12-24. Review status: criteria provided, single submitter. Criteria: Ambry Variant Classification Scheme 2023. Collection method: clinical testing. Allele origin: germline.
Comment: The c.468G>C (p.Q156H) alteration is located in exon 6 (coding exon 6) of the APOOL gene. This alteration results from a G to C substitution at nucleotide position 468, causing the glutamine (Q) at amino acid position 156 to be replaced by a histidine (H). Based on data from gnomAD, the C allele has an overall frequency of 0.001% (1/116073) total alleles studied. The highest observed frequency was 0.015% (1/6704) of African alleles. Based on insufficient or conflicting evidence, the clinical significance of this alteration remains unclear.

NM_198450.6(APOOL):c.468G>C (p.Gln156His)

Gene: APOOL (apolipoprotein O like; plus strand). Cytogenetic location: Xq21.1.
Variant type: single nucleotide variant.
Coding change: c.468G>C on transcript NM_198450.6 (MANE Select); coding-DNA position 468, G replaced by C.
Protein change: p.Gln156His; replaces glutamine 156 with histidine.
Molecular consequence: missense variant.
Genome position (GRCh38, 1-based): chrX:85,067,200, G>C. VCF-style: chrX-85067200-G-C. GRCh37 (hg19) VCF-style: chrX-84322206-G-C.
Other names: short protein forms Q156H.
Identifiers: ClinVar variation 4831388 (VCV004831388.1).